The following is an entry in ClinVar:

NM_000138.5(FBN1):c.8108del (p.Gly2703fs)

Gene: FBN1 (fibrillin 1; minus strand). Cytogenetic location: 15q21.1.
Variant type: Deletion.
Coding change: c.8108del on transcript NM_000138.5 (MANE Select); coding-DNA position 8108, one base deleted (G; older notation c.8108delG).
Protein change: p.Gly2703fs; shifts the reading frame from glycine 2703.
Molecular consequence: frameshift variant.
Genome position (GRCh38, 1-based): chr15:48,412,687, C deleted on the plus strand (G on the coding strand, the reverse complement: FBN1 is on the minus strand); the first of 2 consecutive C bases (chr15:48,412,687-48,412,688); deleting either gives the same sequence. VCF-style (leftmost placement, unchanged base first): chr15-48412686-AC-A. GRCh37 (hg19) VCF-style: chr15-48704883-AC-A.
Other names: c.8108del, p.Gly2703fs (NM_001406716.1); short protein forms G2703fs.
Identifiers: ClinVar variation 2925530 (VCV002925530.3), dbSNP rs2505375618, ClinGen allele CA2695220501.

ClinVar aggregate classification (germline): Pathogenic (1 of 4 stars; one submission).

Conditions:
Marfan syndrome (MFS). Also called: MARFAN SYNDROME, TYPE I; Marfan syndrome type 1; Marfan's syndrome; Marfan syndrome, classic; FBN1-Related Marfan Syndrome. Identifiers: Orphanet 284963, Orphanet 558, MedGen C0024796, MONDO:0007947, OMIM 154700.
Familial thoracic aortic aneurysm and aortic dissection (TAAD). Also called: Thoracic aortic aneurysms and dissections. Identifiers: Orphanet 91387, MedGen C4707243, MONDO:0019625.

Submission:

Labcorp Genetics (formerly Invitae), Labcorp
Classification: Pathogenic for Marfan syndrome; Familial thoracic aortic aneurysm and aortic dissection. Last evaluated: 2023-12-04. Review status: criteria provided, single submitter. Criteria: Invitae Variant Classification Sherloc (09022015). Collection method: clinical testing. Allele origin: germline.
Comment: This sequence change creates a premature translational stop signal (p.Gly2703Valfs*49) in the FBN1 gene. While this is not anticipated to result in nonsense mediated decay, it is expected to disrupt the last 169 amino acid(s) of the FBN1 protein. This variant is not present in population databases (gnomAD no frequency). This premature translational stop signal has been observed in individual(s) with Marfan syndrome (PMID: 19863550). This variant disrupts a region of the FBN1 protein in which other variant(s) (p.Gln2867*) have been determined to be pathogenic (PMID: 19293843). This suggests that this is a clinically significant region of the protein, and that variants that disrupt it are likely to be disease-causing. For these reasons, this variant has been classified as Pathogenic.

Literature cited by the submitters: PubMed 19863550; PubMed 19293843.